The following is an entry in ClinVar:

ClinVar aggregate classification (germline): Benign/Likely benign. Review status: criteria provided, multiple submitters, no conflicts (2 of 4 stars). 6 submissions from 6 submitters: Benign (5); Likely benign (1). Last evaluated 2026-01-08.

Conditions:
Hereditary coproporphyria (HCP). Also called: Porphyria hepatica II; CPRO deficiency; Hereditary coproporphyria porphyria; Porphyria hepatica coproporphyria; COPROPORPHYRINOGEN OXIDASE DEFICIENCY; CPO DEFICIENCY. Identifiers: Orphanet 79273, MedGen C0162531, MONDO:0007369, OMIM 121300.
CPOX-related disorder. Also called: CPOX-related disorders; CPOX-related condition.

Allele frequency attached by ClinVar (database versions not stated): ExAC below 0.00001; gnomAD exomes 0.00092 and 0.00751; gnomAD 0.00592 and 0.00634; 1000 Genomes Project 0.00699; TOPMed 0.00700; 1000 Genomes Project 30x 0.00718.

Submissions (6):

Labcorp Genetics (formerly Invitae), Labcorp
Classification: Benign. Last evaluated: 2026-01-08. Review status: criteria provided, single submitter. Criteria: Invitae Variant Classification Sherloc (09022015). Collection method: clinical testing. Allele origin: germline.

PreventionGenetics, part of Exact Sciences
Classification: Benign for CPOX-related condition. Last evaluated: 2025-10-16. Review status: criteria provided, single submitter. Criteria: ACMG Guidelines, 2015. Collection method: clinical testing. Allele origin: germline.
Comment: This variant is classified as benign based on ACMG/AMP sequence variant interpretation guidelines (Richards et al. 2015 PMID: 25741868, with internal and published modifications).

Mayo Clinic Laboratories, Mayo Clinic
Classification: Benign. Last evaluated: 2025-09-30. Review status: criteria provided, single submitter. Criteria: ACMG Guidelines, 2015. Collection method: clinical testing. Allele origin: germline. Observed: 5 variant alleles.
Comment: BA1, BP4, BP7

Blueprint Genetics
Classification: Likely benign. Last evaluated: 2024-11-25. Review status: criteria provided, single submitter. Criteria: ACMG Guidelines, 2015. Collection method: clinical testing. Allele origin: germline.

Illumina Laboratory Services, Illumina
Classification: Benign for Hereditary coproporphyria. Last evaluated: 2018-01-13. Review status: criteria provided, single submitter. Criteria: ICSL Variant Classification Criteria 13 December 2019. Collection method: clinical testing. Allele origin: germline.
Comment: This variant was observed in the ICSL laboratory as part of a predisposition screen in an ostensibly healthy population. It had not been previously curated by ICSL or reported in the Human Gene Mutation Database (HGMD: prior to June 1st, 2018), and was therefore a candidate for classification through an automated scoring system. Utilizing variant allele frequency, disease prevalence and penetrance estimates, and inheritance mode, an automated score was calculated to assess if this variant is too frequent to cause the disease. Based on the score and internal cut-off values, a variant classified as benign is not then subjected to further curation. The score for this variant resulted in a classification of benign for this disease.

Breakthrough Genomics
Classification: Benign. Review status: criteria provided, single submitter. Criteria: ACMG Guidelines, 2015. Collection method: not provided. Allele origin: germline. Inheritance: Autosomal recessive inheritance. Affected: yes.

NM_000097.7(CPOX):c.165C>T (p.Gly55=)

Genes: CPOX (coproporphyrinogen oxidase; minus strand), LOC129937121 (ATAC-STARR-seq lymphoblastoid silent region 14560; plus strand). Cytogenetic location: 3q11.2.
Variant type: single nucleotide variant.
Coding change: c.165C>T on transcript NM_000097.7 (MANE Select); coding-DNA position 165, C replaced by T.
Protein change: p.Gly55=; no amino-acid change (glycine 55 retained).
Molecular consequence: synonymous variant.
Genome position (GRCh38, 1-based): chr3:98,593,340, G>A on the plus strand (C>T on the coding strand, the complement: CPOX is on the minus strand). VCF-style: chr3-98593340-G-A. GRCh37 (hg19) VCF-style: chr3-98312184-G-A.
Other names: p.Gly55=; c.165C>T, p.Gly55= (LRG_1077t1).
Identifiers: ClinVar variation 346991 (VCV000346991.18), dbSNP rs563975822, ClinGen allele CA2511758.